The following is an entry in ClinVar:

ClinVar aggregate classification (germline): Uncertain significance (1 of 4 stars; one submission).

Conditions:
Hereditary cancer-predisposing syndrome. Also called: Tumor predisposition; Hereditary Cancer Syndrome; Hereditary neoplastic syndrome; Neoplastic Syndromes, Hereditary. Identifiers: Orphanet 140162, MedGen C0027672, MeSH D009386, MONDO:0015356.

Submission:

Ambry Genetics
Classification: Uncertain significance for Hereditary cancer-predisposing syndrome. Last evaluated: 2024-04-29. Review status: criteria provided, single submitter. Criteria: Ambry Variant Classification Scheme 2023. Collection method: clinical testing. Allele origin: germline.
Comment: The p.P483S variant (also known as c.1447C>T) is located in coding exon 14 of the NF2 gene. The proline at codon 483 is replaced by serine, an amino acid with similar properties. This change occurs in the first base pair of coding exon 14. This amino acid position is conserved. In addition, this alteration is predicted to be tolerated by in silico analysis. Based on the available evidence, the clinical significance of this variant remains unclear.

NM_000268.4(NF2):c.1447C>T (p.Pro483Ser)

Gene: NF2 (NF2, moesin-ezrin-radixin like (MERLIN) tumor suppressor; plus strand). Cytogenetic location: 22q12.2.
Variant type: single nucleotide variant.
Coding change: c.1447C>T on transcript NM_000268.4 (MANE Select); coding-DNA position 1447, C replaced by T.
Protein change: p.Pro483Ser; replaces proline 483 with serine.
Molecular consequence: missense variant. On other transcripts: non-coding transcript variant (1), intron variant (1).
Genome position (GRCh38, 1-based): chr22:29,678,196, C>T. VCF-style: chr22-29678196-C-T. GRCh37 (hg19) VCF-style: chr22-30074185-C-T.
Other names: c.1333C>T, p.Pro445Ser (NM_001407053.1, NM_001407056.1); c.1324C>T, p.Pro442Ser (NM_001407054.1, NM_001407058.1, NM_181829.3); c.1321C>T, p.Pro441Ser (NM_001407055.1, NM_181828.3); c.1312C>T, p.Pro438Ser (NM_001407057.1, NM_001407059.1); c.1447C>T, p.Pro483Ser (NM_001407060.1, NM_001407066.1, NM_016418.5 and 2 more transcripts); c.1189C>T, p.Pro397Ser (NM_001407062.1); c.1198C>T, p.Pro400Ser (NM_001407063.1, NM_001407064.1, NM_181830.3 and 1 more transcripts); c.913C>T, p.Pro305Ser (NM_001407065.1); and 2 more; short protein forms P305S, P483S, P397S, P442S, P400S, P438S, P445S, P406S.
Identifiers: ClinVar variation 3299433 (VCV003299433.1).